The following is an entry in ClinVar:

NM_152564.5(VPS13B):c.11655del (p.Val3886fs)

Gene: VPS13B (vacuolar protein sorting 13 homolog B; plus strand). Cytogenetic location: 8q22.2.
Variant type: Deletion.
Coding change: c.11655del on transcript NM_152564.5 (MANE Select); coding-DNA position 11655, one base deleted (C; older notation c.11655delC).
Protein change: p.Val3886fs; shifts the reading frame from valine 3886.
Molecular consequence: frameshift variant.
Genome position (GRCh38, 1-based): chr8:99,871,607, C deleted; the last of 4 consecutive C bases (chr8:99,871,604-99,871,607); deleting any one gives the same sequence. VCF-style (leftmost placement, unchanged base first): chr8-99871603-TC-T. GRCh37 (hg19) VCF-style: chr8-100883831-TC-T.
Other names: c.11730del, p.Val3911fs (NM_017890.5); short protein forms V3886fs, V3911fs.
Identifiers: ClinVar variation 985909 (VCV000985909.10), dbSNP rs1212294259, ClinGen allele CA583856660.

ClinVar aggregate classification (germline): Pathogenic. Review status: criteria provided, multiple submitters, no conflicts (2 of 4 stars). 2 submissions from 2 submitters: Pathogenic (2). Last evaluated 2020-12-25.

Conditions:
Cohen syndrome (COH1). Also called: Cutis verticis gyrata, retinitis pigmentosa, and sensorineural deafness; PEPPER SYNDROME. Identifiers: Orphanet 193, MedGen C0265223, MONDO:0008999, OMIM 216550.
Inborn genetic diseases. Identifiers: MedGen C0950123, MeSH D030342.

Submissions (2):

Labcorp Genetics (formerly Invitae), Labcorp
Classification: Pathogenic for Cohen syndrome. Last evaluated: 2020-12-25. Review status: criteria provided, single submitter. Criteria: Invitae Variant Classification Sherloc (09022015). Collection method: clinical testing. Allele origin: germline.
Comment: This variant is not present in population databases (ExAC no frequency). For these reasons, this variant has been classified as Pathogenic. This variant disrupts the C-terminus of the VPS13B protein. Other variant(s) that disrupt this region (p.Pro3969Leufs*41) have been determined to be pathogenic (PMID: 15141358, Invitae). This suggests that variants that disrupt this region of the protein are likely to be causative of disease. This variant has not been reported in the literature in individuals with VPS13B-related conditions. ClinVar contains an entry for this variant (Variation ID: 985909). This sequence change creates a premature translational stop signal (p.Val3911Serfs*31) in the VPS13B gene. While this is not anticipated to result in nonsense mediated decay, it is expected to disrupt the last 112 amino acid(s) of the VPS13B protein.

Ambry Genetics
Classification: Pathogenic for Inborn genetic diseases. Last evaluated: 2018-02-26. Review status: criteria provided, single submitter. Criteria: Ambry exome assertion method (8-5-2015). Collection method: clinical testing. Allele origin: germline. Affected: yes. Observed: 1 variant allele.

Literature cited by the submitters: PubMed 15141358 (cited by Labcorp Genetics (formerly Invitae), Labcorp).